The following is an entry in ClinVar:

NM_001378120.1(MBD5):c.4837C>T (p.Pro1613Ser)

Gene: MBD5 (methyl-CpG binding domain protein 5; plus strand). Cytogenetic location: 2q23.1.
Variant type: single nucleotide variant.
Coding change: c.4837C>T on transcript NM_001378120.1 (MANE Select); coding-DNA position 4837, C replaced by T.
Protein change: p.Pro1613Ser; replaces proline 1613 with serine.
Molecular consequence: missense variant.
Genome position (GRCh38, 1-based): chr2:148,490,469, C>T. VCF-style: chr2-148490469-C-T. GRCh37 (hg19) VCF-style: chr2-149248038-C-T.
Other names: p.P1380S:CCA>TCA; c.4138C>T, p.Pro1380Ser (NM_018328.5); short protein forms P1380S, P1613S.
Identifiers: ClinVar variation 206107 (VCV000206107.2), dbSNP rs773779478, ClinGen allele CA315870.

ClinVar aggregate classification (germline): Uncertain significance (1 of 4 stars; one submission).

Allele frequency attached by ClinVar (database versions not stated): ExAC 0.00001; gnomAD exomes below 0.00001.
gnomAD v4.1: 3 of 1,614,154 alleles (0.00019%); highest among the groups gnomAD compares: Non-Finnish European, 0.00017%; no homozygotes.

Submission:

GeneDx
Classification: Uncertain significance. Last evaluated: 2014-05-20. Review status: criteria provided, single submitter. Criteria: GeneDx Variant Classification (06012015). Collection method: clinical testing. Allele origin: germline. Affected: yes.
Comment: p.Pro1380Ser (CCA>TCA): c.4138 C>T in exon 12 of the MBD5 gene (NM_018328.4) The P1380S variant has not been published as a mutation, nor has it been reported as a benign polymorphism to our knowledge. It was not observed in approximately 6,500 individuals of European and African American ancestry in the NHLBI Exome Sequencing Project, indicating it is not a common benign variant in these populations. The P1380S variant is a non-conservative amino acid substitution, which is likely to impact secondary protein structure as these residues differ in polarity, charge, size and/or other properties. This substitution occurs at a position that is conserved in mammals; however, Serine is observed at this position in several species distant in evolution. Additionally, to our knowledge, only deletions and frameshift mutations in MBD5 have been published in association with epilepsy. In silico analysis is inconsistent in its predictions as to whether or not the variant is damaging to the protein structure/function. Therefore, based on the currently available information, it is unclear whether this variant is a pathogenic mutation or a rare benign variant. The variant is found in EPILEPSY panel(s).